The following is an entry in ClinVar:

NC_000004.11:g.(100521891_100522763)_(100534298_100540130)del

Gene: MTTP (microsomal triglyceride transfer protein; plus strand). Cytogenetic location: 4q23.
Variant type: Deletion.
Identifiers: ClinVar variation 1321372 (VCV001321372.1).

ClinVar aggregate classification (germline): Likely pathogenic (1 of 4 stars; one submission).

Conditions:
Abetalipoproteinaemia (ABL). Also called: Abetalipoproteinemia; Abetalipoproteinemia neuropathy; Apolipoprotein B deficiency; Congenital betalipoprotein deficiency syndrome; MTP DEFICIENCY. Identifiers: Orphanet 14, MedGen C0000744, MONDO:0008692, OMIM 200100, HP:0008181.

Submission:

Women's Health and Genetics/Laboratory Corporation of America, LabCorp
Classification: Likely pathogenic for Abetalipoproteinaemia. Last evaluated: 2021-10-13. Review status: criteria provided, single submitter. Criteria: LabCorp Variant Classification Summary - May 2015. Collection method: clinical testing. Allele origin: germline.
Comment: Variant summary: The variant identified by MLPA or other technology involves the deletion of exons 11-16 in the MTTP gene. A presumed nomenclature of c.(1236+1_1237-1)_(2217+1_2218-1)del has been designated for the purposes of this classification. Although exact breakpoints of this deletion are not known, it is expected to result in a large in-frame deletion change in the MTTP gene. The variant was absent in 21590 control chromosomes. Another overlapping variant (deletion of exons 11-partial 16) has been reported in patients (Kerkhof_2017). This report does not provide unequivocal conclusions about association of the variant with Abetalipoproteinaemia (Bassen-Kornzweig Syndrome). To our knowledge, no experimental evidence demonstrating an impact on protein function has been reported. No clinical diagnostic laboratories have submitted clinical-significance assessments for this variant to ClinVar after 2014. Based on the evidence outlined above, the variant was classified as likely pathogenic.

Literature cited by the submitters: PubMed 28818680.